The following is an entry in ClinVar:

NM_022455.5(NSD1):c.7816G>A (p.Ala2606Thr)

Gene: NSD1 (nuclear receptor binding SET domain protein 1; plus strand). Cytogenetic location: 5q35.3.
Variant type: single nucleotide variant.
Coding change: c.7816G>A on transcript NM_022455.5 (MANE Select); coding-DNA position 7816, G replaced by A.
Protein change: p.Ala2606Thr; replaces alanine 2606 with threonine.
Molecular consequence: missense variant.
Genome position (GRCh38, 1-based): chr5:177,295,184, G>A. VCF-style: chr5-177295184-G-A. GRCh37 (hg19) VCF-style: chr5-176722185-G-A.
Other names: c.7816G>A, p.Ala2606Thr (NM_001409302.1, NM_001409303.1, NM_001409301.1); c.7396G>A, p.Ala2466Thr (NM_001409304.1); c.7063G>A, p.Ala2355Thr (NM_001409305.1); c.7054G>A, p.Ala2352Thr (NM_001409306.1, NM_001409307.1); c.6943G>A, p.Ala2315Thr (NM_001409308.1, NM_172349.5, NM_001365684.2); c.6694G>A, p.Ala2232Thr (NM_001409309.1); short protein forms A2232T, A2352T, A2466T, A2606T, A2315T, A2355T.
Identifiers: ClinVar variation 3635583 (VCV003635583.2).
Genomic context (GRCh38, chr5:177,295,184, plus strand): 5'-GGCCAGCAACTACCTGCACTTGCCGCCAAGAGTGGGCAATCTTTTAGGTCTCTCGGGAAG[G>A]CCCCAGCCTCCCTCCCCACTGAAGAAAAGAAGTTGGTAACCACAGAGCAAAGTCCCTGGG-3'
Protein context (NP_071900.2, residues 2596-2616): SGQSFRSLGK[Ala2606Thr]PASLPTEEKK

ClinVar aggregate classification (germline): Uncertain significance (1 of 4 stars; one submission).

gnomAD v4.1: 1 of 1,614,224 alleles (0.000062%); highest among the groups gnomAD compares: East Asian, 0.0022%; no homozygotes.

Submission:

Labcorp Genetics (formerly Invitae), Labcorp
Classification: Uncertain significance. Last evaluated: 2024-08-28. Review status: criteria provided, single submitter. Criteria: Invitae Variant Classification Sherloc (09022015). Collection method: clinical testing. Allele origin: germline.
Comment: This sequence change replaces alanine, which is neutral and non-polar, with threonine, which is neutral and polar, at codon 2606 of the NSD1 protein (p.Ala2606Thr). This variant is not present in population databases (gnomAD no frequency). This variant has not been reported in the literature in individuals affected with NSD1-related conditions. Invitae Evidence Modeling of protein sequence and biophysical properties (such as structural, functional, and spatial information, amino acid conservation, physicochemical variation, residue mobility, and thermodynamic stability) indicates that this missense variant is not expected to disrupt NSD1 protein function with a negative predictive value of 95%. In summary, the available evidence is currently insufficient to determine the role of this variant in disease. Therefore, it has been classified as a Variant of Uncertain Significance.